The following is an entry in ClinVar:

ClinVar aggregate classification (germline): Uncertain significance (1 of 4 stars; one submission).

Conditions:
Autosomal recessive Robinow syndrome (RRS1). Also called: ROR2-Related Robinow Syndrome; COSTOVERTEBRAL SEGMENTATION DEFECT WITH MESOMELIA; COVESDEM SYNDROME; ROBINOW SYNDROME, AUTOSOMAL RECESSIVE 1. Identifiers: Orphanet 1507, Orphanet 97360, MedGen C5399974, MONDO:0009999, OMIM 268310.

Submission:

MVZ Medizinische Genetik Mainz
Classification: Uncertain significance for Autosomal recessive Robinow syndrome. Last evaluated: 2021-11-23. Review status: criteria provided, single submitter. Criteria: UK Practice Guidelines For Variant Classification V4 01 2020. Collection method: clinical testing. Allele origin: germline. Inheritance: Autosomal recessive inheritance. Affected: yes. Observed: 1 variant allele.
Comment: ACMG Criteria: PM2_SUP, PM3, PP4 (ACMG Version 3); Compound Heterozygote

NM_004560.4(ROR2):c.1086C>G (p.His362Gln)

Gene: ROR2 (receptor tyrosine kinase like orphan receptor 2; minus strand). Cytogenetic location: 9q22.31.
Variant type: single nucleotide variant.
Coding change: c.1086C>G on transcript NM_004560.4 (MANE Select); coding-DNA position 1086, C replaced by G.
Protein change: p.His362Gln; replaces histidine 362 with glutamine.
Molecular consequence: missense variant.
Genome position (GRCh38, 1-based): chr9:91,731,007, G>C on the plus strand (C>G on the coding strand, the complement: ROR2 is on the minus strand). VCF-style: chr9-91731007-G-C. GRCh37 (hg19) VCF-style: chr9-94493289-G-C.
Other names: c.1086C>G, p.His362Gln (NM_001318204.2); short protein forms H362Q.
Identifiers: ClinVar variation 3068414 (VCV003068414.1), dbSNP rs755185431, ClinGen allele CA373800070.